The following is an entry in ClinVar:

ClinVar aggregate classification (germline): Uncertain significance (1 of 4 stars; one submission).

Conditions:
Cardiovascular phenotype. Identifiers: MedGen CN230736.

Allele frequency attached by ClinVar (database versions not stated): ExAC 0.00001.

Submission:

Ambry Genetics
Classification: Uncertain significance for Cardiovascular phenotype. Last evaluated: 2022-01-25. Review status: criteria provided, single submitter. Criteria: Ambry Variant Classification Scheme 2023. Collection method: clinical testing. Allele origin: germline.
Comment: The p.E976K variant (also known as c.2926G>A), located in coding exon 22 of the DMD gene, results from a G to A substitution at nucleotide position 2926. The glutamic acid at codon 976 is replaced by lysine, an amino acid with similar properties. Based on data from gnomAD, the A allele has an overall frequency of <0.01% (1/183179) total alleles studied, with 1 hemizygote(s) observed. The highest observed frequency was <0.01% (1/81712) of European (non-Finnish) alleles. This amino acid position is highly conserved in available vertebrate species. In addition, the in silico prediction for this alteration is inconclusive. Since supporting evidence is limited at this time, the clinical significance of this alteration remains unclear.

NM_004006.3(DMD):c.2926G>A (p.Glu976Lys)

Gene: DMD (dystrophin; minus strand). Cytogenetic location: Xp21.1.
Variant type: single nucleotide variant.
Coding change: c.2926G>A on transcript NM_004006.3 (MANE Select); coding-DNA position 2926, G replaced by A.
Protein change: p.Glu976Lys; replaces glutamic acid 976 with lysine.
Molecular consequence: missense variant.
Genome position (GRCh38, 1-based): chrX:32,472,187, C>T on the plus strand (G>A on the coding strand, the complement: DMD is on the minus strand). VCF-style: chrX-32472187-C-T. GRCh37 (hg19) VCF-style: chrX-32490304-C-T.
Other names: c.2902G>A, p.Glu968Lys (NM_000109.4); c.2914G>A, p.Glu972Lys (NM_004009.3); c.2557G>A, p.Glu853Lys (NM_004010.3); short protein forms E853K, E976K, E972K, E968K.
Identifiers: ClinVar variation 1797750 (VCV001797750.2), dbSNP rs767387334, ClinGen allele CA10379409.
Genomic context (GRCh38, chrX:32,472,187, plus strand): 5'-CGTGCTTTATTGTTTTGACATTCAAATATTCACAGACCTGCAATTCCCCGAGTCTCTGCT[C>T]CATGATTTCATAGTCGGTGACACTAAGTTGAGGTATGGAGAGTTTGGTTTCTGACTGCTG-3'
Protein context (NP_003997.2, residues 966-986): QLSVTDYEIM[Glu976Lys]QRLGELQALQ